The following is an entry in ClinVar:

ClinVar aggregate classification (germline): Uncertain significance. Review status: criteria provided, multiple submitters, no conflicts (2 of 4 stars). 2 submissions from 2 submitters: Uncertain significance (2). Last evaluated 2025-04-22.

Conditions:
RASopathy. Also called: rasopathies; Noonan spectrum disorder. Identifiers: Orphanet 536391, MedGen C5555857, MONDO:0021060.
CBL-related disorder. Also called: NOONAN SYNDROME-LIKE DISORDER WITHOUT JUVENILE MYELOMONOCYTIC LEUKEMIA; CBL MUTATION-ASSOCIATED SYNDROME; CBL SYNDROME. Identifiers: Orphanet 363972, MedGen C3150803, MONDO:0013308, OMIM 613563.
Juvenile myelomonocytic leukemia (JMML). Also called: LEUKEMIA, JUVENILE MYELOMONOCYTIC, SOMATIC. Identifiers: Orphanet 86834, MedGen C0349639, MONDO:0011908, OMIM 607785, HP:0012209.

Allele frequency attached by ClinVar (database versions not stated): gnomAD 0.00001; gnomAD exomes 0.00002 and 0.00003; TOPMed 0.00002; ExAC 0.00003.
gnomAD v4.1: 46 of 1,613,870 alleles (0.0029%); highest among the groups gnomAD compares: Non-Finnish European, 0.0035%; no homozygotes.

Submissions (2):

Labcorp Genetics (formerly Invitae), Labcorp
Classification: Uncertain significance for RASopathy. Last evaluated: 2025-04-22. Review status: criteria provided, single submitter. Criteria: Invitae Variant Classification Sherloc (09022015). Collection method: clinical testing. Allele origin: germline.
Comment: This sequence change replaces leucine, which is neutral and non-polar, with methionine, which is neutral and non-polar, at codon 442 of the CBL protein (p.Leu442Met). This variant is present in population databases (rs200508558, gnomAD 0.006%). This missense change has been observed in individual(s) with clinical features of CBL-related conditions (internal data). ClinVar contains an entry for this variant (Variation ID: 477696). Invitae Evidence Modeling of protein sequence and biophysical properties (such as structural, functional, and spatial information, amino acid conservation, physicochemical variation, residue mobility, and thermodynamic stability) indicates that this missense variant is not expected to disrupt CBL protein function with a negative predictive value of 95%. In summary, the available evidence is currently insufficient to determine the role of this variant in disease. Therefore, it has been classified as a Variant of Uncertain Significance.

Fulgent Genetics
Classification: Uncertain significance for Juvenile myelomonocytic leukemia; CBL-related disorder. Last evaluated: 2021-09-15. Review status: criteria provided, single submitter. Criteria: ACMG Guidelines, 2015. Collection method: clinical testing. Allele origin: unknown.

NM_005188.4(CBL):c.1324C>A (p.Leu442Met)

Gene: CBL (Cbl proto-oncogene; plus strand). Cytogenetic location: 11q23.3.
Variant type: single nucleotide variant.
Coding change: c.1324C>A on transcript NM_005188.4 (MANE Select); coding-DNA position 1324, C replaced by A.
Protein change: p.Leu442Met; replaces leucine 442 with methionine.
Molecular consequence: missense variant.
Genome position (GRCh38, 1-based): chr11:119,278,606, C>A. VCF-style: chr11-119278606-C-A. GRCh37 (hg19) VCF-style: chr11-119149316-C-A.
Other names: short protein forms L442M.
Identifiers: ClinVar variation 477696 (VCV000477696.9), dbSNP rs200508558, ClinGen allele CA6318498.